The following is an entry in ClinVar:

ClinVar aggregate classification (germline): Uncertain significance (1 of 4 stars; one submission).

Allele frequency attached by ClinVar (database versions not stated): gnomAD 0.00001; TOPMed 0.00001.
gnomAD v4.1: 1 of 1,210,624 alleles (0.000083%); highest among the groups gnomAD compares: Non-Finnish European, 0.00011%; no homozygotes.

Submission:

GeneDx
Classification: Uncertain significance. Last evaluated: 2024-07-11. Review status: criteria provided, single submitter. Criteria: GeneDx Variant Classification Process June 2021. Collection method: clinical testing. Allele origin: germline.
Comment: Not observed at significant frequency in large population cohorts (gnomAD); In silico analysis indicates that this missense variant does not alter protein structure/function; Has not been previously published as pathogenic or benign to our knowledge

NM_001123385.2(BCOR):c.4468G>A (p.Val1490Ile)

Gene: BCOR (BCL6 corepressor; minus strand). Cytogenetic location: Xp11.4.
Variant type: single nucleotide variant.
Coding change: c.4468G>A on transcript NM_001123385.2 (MANE Select); coding-DNA position 4468, G replaced by A.
Protein change: p.Val1490Ile; replaces valine 1490 with isoleucine.
Molecular consequence: missense variant.
Genome position (GRCh38, 1-based): chrX:40,057,282, C>T on the plus strand (G>A on the coding strand, the complement: BCOR is on the minus strand). VCF-style: chrX-40057282-C-T. GRCh37 (hg19) VCF-style: chrX-39916535-C-T.
Other names: c.4366G>A, p.Val1456Ile (NM_001123383.2, NM_017745.6); c.4312G>A, p.Val1438Ile (NM_001123384.2); short protein forms V1438I, V1456I, V1490I.
Identifiers: ClinVar variation 2661962 (VCV002661962.2), dbSNP rs1291797695, ClinGen allele CA412735666.